The following is an entry in ClinVar:

NM_000350.3(ABCA4):c.157G>T (p.Glu53Ter)

Gene: ABCA4 (ATP binding cassette subfamily A member 4; minus strand). Cytogenetic location: 1p22.1.
Variant type: single nucleotide variant.
Coding change: c.157G>T on transcript NM_000350.3 (MANE Select); coding-DNA position 157, G replaced by T.
Protein change: p.Glu53Ter; replaces glutamic acid 53 with a stop codon.
Molecular consequence: nonsense.
Genome position (GRCh38, 1-based): chr1:94,112,976, C>A on the plus strand (G>T on the coding strand, the complement: ABCA4 is on the minus strand). VCF-style: chr1-94112976-C-A. GRCh37 (hg19) VCF-style: chr1-94578532-C-A.
Other names: c.157G>T, p.Glu53Ter (NM_001425324.1); short protein forms E53*.
Identifiers: ClinVar variation 2202815 (VCV002202815.4), dbSNP rs764744217, ClinGen allele CA341286332.
Genomic context (GRCh38, chr1:94,112,976, plus strand): 5'-AAAAGGCCCAGACCAAAGTCTCTTCAGGGCTTGCCCAAGCTACCCTGCTATGCTTACATT[C>A]ATGATGGCTGTAGAGTGGGTTGGCATTCCTTAACCAGATCAAGACCAGAAATAAAGATAA-3'

ClinVar aggregate classification (germline): Pathogenic (1 of 4 stars; one submission).

Allele frequency attached by ClinVar (database versions not stated): gnomAD exomes below 0.00001.
gnomAD v4.1: 1 of 1,612,910 alleles (0.000062%); highest among the groups gnomAD compares: East Asian, 0.0022%; no homozygotes.

Submission:

Labcorp Genetics (formerly Invitae), Labcorp
Classification: Pathogenic. Last evaluated: 2022-08-05. Review status: criteria provided, single submitter. Criteria: Invitae Variant Classification Sherloc (09022015). Collection method: clinical testing. Allele origin: germline.
Comment: For these reasons, this variant has been classified as Pathogenic. This premature translational stop signal has been observed in individual(s) with cone-rod dystrophy (PMID: 26780318). This variant is present in population databases (no rsID available, gnomAD 0.006%). This sequence change creates a premature translational stop signal (p.Glu53*) in the ABCA4 gene. It is expected to result in an absent or disrupted protein product. Loss-of-function variants in ABCA4 are known to be pathogenic (PMID: 10958761, 24938718, 25312043, 26780318).

Literature cited by the submitters: PubMed 26780318; PubMed 10958761; PubMed 24938718; PubMed 25312043.